The following is an entry in ClinVar:

ClinVar aggregate classification (germline): Uncertain significance (1 of 4 stars; one submission).

Conditions:
Dextro-looped transposition of the great arteries. Also called: Dextrotransposition of the great arteries. Identifiers: Orphanet 860, MedGen C3531771, MONDO:0019443, OMIM 608808, HP:0031348.

Submission:

Labcorp Genetics (formerly Invitae), Labcorp
Classification: Uncertain significance for Dextro-looped transposition of the great arteries. Last evaluated: 2023-07-19. Review status: criteria provided, single submitter. Criteria: Invitae Variant Classification Sherloc (09022015). Collection method: clinical testing. Allele origin: germline.
Comment: This sequence change replaces asparagine, which is neutral and polar, with aspartic acid, which is acidic and polar, at codon 158 of the MED13L protein (p.Asn158Asp). This variant is not present in population databases (gnomAD no frequency). This variant has not been reported in the literature in individuals affected with MED13L-related conditions. Advanced modeling of protein sequence and biophysical properties (such as structural, functional, and spatial information, amino acid conservation, physicochemical variation, residue mobility, and thermodynamic stability) performed at Invitae indicates that this missense variant is not expected to disrupt MED13L protein function. In summary, the available evidence is currently insufficient to determine the role of this variant in disease. Therefore, it has been classified as a Variant of Uncertain Significance.

NM_015335.5(MED13L):c.472A>G (p.Asn158Asp)

Gene: MED13L (mediator complex subunit 13L; minus strand). Cytogenetic location: 12q24.21.
Variant type: single nucleotide variant.
Coding change: c.472A>G on transcript NM_015335.5 (MANE Select); coding-DNA position 472, A replaced by G.
Protein change: p.Asn158Asp; replaces asparagine 158 with aspartic acid.
Molecular consequence: missense variant.
Genome position (GRCh38, 1-based): chr12:116,096,676, T>C on the plus strand (A>G on the coding strand, the complement: MED13L is on the minus strand). VCF-style: chr12-116096676-T-C. GRCh37 (hg19) VCF-style: chr12-116534481-T-C.
Other names: short protein forms N158D.
Identifiers: ClinVar variation 2745212 (VCV002745212.3), dbSNP rs2500281281, ClinGen allele CA386926787.